The following is an entry in ClinVar:

NM_000632.4(ITGAM):c.3409T>C (p.Tyr1137His)

Gene: ITGAM (integrin subunit alpha M; plus strand). Cytogenetic location: 16p11.2.
Variant type: single nucleotide variant.
Coding change: c.3409T>C on transcript NM_000632.4 (MANE Select); coding-DNA position 3409, T replaced by C.
Protein change: p.Tyr1137His; replaces tyrosine 1137 with histidine.
Molecular consequence: missense variant.
Genome position (GRCh38, 1-based): chr16:31,331,657, T>C. VCF-style: chr16-31331657-T-C. GRCh37 (hg19) VCF-style: chr16-31342978-T-C.
Other names: c.3412T>C, p.Tyr1138His (NM_001145808.2); short protein forms Y1137H, Y1138H.
Identifiers: ClinVar variation 1483247 (VCV001483247.8), dbSNP rs2080585492, ClinGen allele CA395708369.

ClinVar aggregate classification (germline): Uncertain significance (1 of 4 stars; one submission).

Allele frequency attached by ClinVar (database versions not stated): gnomAD exomes below 0.00001; gnomAD 0.00001.
gnomAD v4.1: 4 of 1,581,558 alleles (0.00025%); highest among the groups gnomAD compares: Middle Eastern, 0.034%; no homozygotes.

Submission:

Labcorp Genetics (formerly Invitae), Labcorp
Classification: Uncertain significance. Last evaluated: 2022-03-03. Review status: criteria provided, single submitter. Criteria: Invitae Variant Classification Sherloc (09022015). Collection method: clinical testing. Allele origin: germline.
Comment: In summary, the available evidence is currently insufficient to determine the role of this variant in disease. Therefore, it has been classified as a Variant of Uncertain Significance. Algorithms developed to predict the effect of missense changes on protein structure and function (SIFT, PolyPhen-2, Align-GVGD) all suggest that this variant is likely to be disruptive. This variant has not been reported in the literature in individuals affected with ITGAM-related conditions. This variant is not present in population databases (gnomAD no frequency). This sequence change replaces tyrosine, which is neutral and polar, with histidine, which is basic and polar, at codon 1137 of the ITGAM protein (p.Tyr1137His).